The following is an entry in ClinVar:

ClinVar aggregate classification (germline): Pathogenic (1 of 4 stars; one submission).

Conditions:
Birt-Hogg-Dube syndrome. Also called: Birt Hogg Dubé syndrome. Identifiers: Orphanet 122, MedGen C0346010, MONDO:0800444.

Submission:

Labcorp Genetics (formerly Invitae), Labcorp
Classification: Pathogenic for Birt-Hogg-Dube syndrome. Last evaluated: 2015-11-29. Review status: criteria provided, single submitter. Criteria: Invitae Variant Classification Sherloc (09022015). Collection method: clinical testing. Allele origin: germline.
Comment: This sequence change deletes 1 nucleotide and inserts 3 nucleotides in exon 8 of the FLCN mRNA (c.828delTinsAGA), causing a frameshift at codon 277. This creates a premature translational stop signal (p.Ala277Glufs*17) and is expected to result in an absent or disrupted protein product. While this particular variant has not been reported in the literature, truncating variants in FLCN are known to be pathogenic (PMID: 15852235). For these reasons, this variant has been classified as Pathogenic.

Literature cited by the submitters: PubMed 15852235.

NM_144997.7(FLCN):c.827_828insAG (p.Ala277fs)

Gene: FLCN (folliculin; minus strand). Cytogenetic location: 17p11.2.
Variant type: Insertion.
Coding change: c.827_828insAG on transcript NM_144997.7 (MANE Select); coding-DNA positions 827 to 828, AG inserted.
Protein change: p.Ala277fs; shifts the reading frame from alanine 277.
Molecular consequence: frameshift variant.
Genome position: GRCh38 VCF-style: chr17-17221580-A-ACT. GRCh37 (hg19) VCF-style: chr17-17124894-A-ACT.
Other names: c.881_882insAG, p.Ala295fs (NM_001353229.2); c.827_828insAG, p.Ala277fs (NM_001353230.2, NM_001353231.2, NM_144606.7); short protein forms A277fs, A295fs.
Identifiers: ClinVar variation 1071535 (VCV001071535.1), dbSNP rs2144932834, ClinGen allele CA2499223921.